The following is an entry in ClinVar:

ClinVar aggregate classification (germline): Conflicting classifications of pathogenicity. Review status: criteria provided, conflicting classifications (1 of 4 stars). 2 submissions from 2 submitters: Uncertain significance (1); Likely benign (1). Last evaluated 2023-12-11.

Conditions:
Ichthyosis linearis circumflexa. Identifiers: MedGen C0265962, MONDO:0043106, HP:0025810.

Allele frequency attached by ClinVar (database versions not stated): gnomAD 0.00008; TOPMed 0.00008; gnomAD exomes 0.00010 and 0.00012; ExAC 0.00012; ESP Exome Variant Server 0.00016.
gnomAD v4.1: 165 of 1,614,084 alleles (0.01%); highest among the groups gnomAD compares: Middle Eastern, 0.033%; no homozygotes.

Submissions (2):

Labcorp Genetics (formerly Invitae), Labcorp
Classification: Uncertain significance for Ichthyosis linearis circumflexa. Last evaluated: 2023-12-11. Review status: criteria provided, single submitter. Criteria: Invitae Variant Classification Sherloc (09022015). Collection method: clinical testing. Allele origin: germline.
Comment: This sequence change replaces alanine, which is neutral and non-polar, with valine, which is neutral and non-polar, at codon 691 of the SPINK5 protein (p.Ala691Val). This variant is present in population databases (rs201433344, gnomAD 0.09%). This variant has not been reported in the literature in individuals affected with SPINK5-related conditions. ClinVar contains an entry for this variant (Variation ID: 971204). Advanced modeling of protein sequence and biophysical properties (such as structural, functional, and spatial information, amino acid conservation, physicochemical variation, residue mobility, and thermodynamic stability) performed at Invitae indicates that this missense variant is not expected to disrupt SPINK5 protein function with a negative predictive value of 80%. In summary, the available evidence is currently insufficient to determine the role of this variant in disease. Therefore, it has been classified as a Variant of Uncertain Significance.

Blueprint Genetics
Classification: Likely benign. Last evaluated: 2022-08-22. Review status: criteria provided, single submitter. Criteria: ACMG Guidelines, 2015. Collection method: clinical testing. Allele origin: germline.

NM_006846.4(SPINK5):c.2072C>T (p.Ala691Val)

Gene: SPINK5 (serine peptidase inhibitor Kazal type 5; plus strand). Cytogenetic location: 5q32.
Variant type: single nucleotide variant.
Coding change: c.2072C>T on transcript NM_006846.4 (MANE Select); coding-DNA position 2072, C replaced by T.
Protein change: p.Ala691Val; replaces alanine 691 with valine.
Molecular consequence: missense variant.
Genome position (GRCh38, 1-based): chr5:148,116,426, C>T. VCF-style: chr5-148116426-C-T. GRCh37 (hg19) VCF-style: chr5-147495989-C-T.
Other names: c.2072C>T, p.Ala691Val (NM_001127698.2, NM_001127699.2); short protein forms A691V.
Identifiers: ClinVar variation 971204 (VCV000971204.6), dbSNP rs201433344, ClinGen allele CA3495848.